The following is an entry in ClinVar:

NM_005097.4(LGI1):c.871A>G (p.Ile291Val)

Gene: LGI1 (leucine rich glioma inactivated 1; plus strand). Cytogenetic location: 10q23.33.
Variant type: single nucleotide variant.
Coding change: c.871A>G on transcript NM_005097.4 (MANE Select); coding-DNA position 871, A replaced by G.
Protein change: p.Ile291Val; replaces isoleucine 291 with valine.
Molecular consequence: missense variant. On other transcripts: non-coding transcript variant (1), intron variant (1).
Genome position (GRCh38, 1-based): chr10:93,797,000, A>G. VCF-style: chr10-93797000-A-G. GRCh37 (hg19) VCF-style: chr10-95556757-A-G.
Other names: c.727A>G, p.Ile243Val (NM_001308276.2); c.839-749A>G (NM_001308275.2); short protein forms I291V, I243V.
Identifiers: ClinVar variation 4768730 (VCV004768730.1).

ClinVar aggregate classification (germline): Uncertain significance (1 of 4 stars; one submission).

Conditions:
Autosomal dominant epilepsy with auditory features. Identifiers: Orphanet 101046, MedGen C1838062, MONDO:0010898.

gnomAD v4.1: 5 of 1,613,996 alleles (0.00031%); highest among the groups gnomAD compares: Non-Finnish European, 0.00034%; no homozygotes.

Submission:

Labcorp Genetics (formerly Invitae), Labcorp
Classification: Uncertain significance for Autosomal dominant epilepsy with auditory features. Last evaluated: 2025-08-29. Review status: criteria provided, single submitter. Criteria: Invitae Variant Classification Sherloc (09022015). Collection method: clinical testing. Allele origin: germline.
Comment: This sequence change replaces isoleucine, which is neutral and non-polar, with valine, which is neutral and non-polar, at codon 291 of the LGI1 protein (p.Ile291Val). This variant is present in population databases (rs201081122, gnomAD 0.0009%). This variant has not been reported in the literature in individuals affected with LGI1-related conditions. Invitae Evidence Modeling of protein sequence and biophysical properties (such as structural, functional, and spatial information, amino acid conservation, physicochemical variation, residue mobility, and thermodynamic stability) indicates that this missense variant is not expected to disrupt LGI1 protein function with a negative predictive value of 80%. In summary, the available evidence is currently insufficient to determine the role of this variant in disease. Therefore, it has been classified as a Variant of Uncertain Significance.